The following is an entry in ClinVar:

NM_001211.6(BUB1B):c.1612G>A (p.Glu538Lys)

Gene: BUB1B (BUB1 mitotic checkpoint serine/threonine kinase B; plus strand). Cytogenetic location: 15q15.1.
Variant type: single nucleotide variant.
Coding change: c.1612G>A on transcript NM_001211.6 (MANE Select); coding-DNA position 1612, G replaced by A.
Protein change: p.Glu538Lys; replaces glutamic acid 538 with lysine.
Molecular consequence: missense variant.
Genome position (GRCh38, 1-based): chr15:40,202,449, G>A. VCF-style: chr15-40202449-G-A. GRCh37 (hg19) VCF-style: chr15-40494650-G-A.
Other names: short protein forms E538K.
Identifiers: ClinVar variation 4842713 (VCV004842713.1).

ClinVar aggregate classification (germline): Uncertain significance (1 of 4 stars; one submission).

Conditions:
Inborn genetic diseases. Identifiers: MedGen C0950123, MeSH D030342.

Submission:

Ambry Genetics
Classification: Uncertain significance for Inborn genetic diseases. Last evaluated: 2026-01-14. Review status: criteria provided, single submitter. Criteria: Ambry Variant Classification Scheme 2023. Collection method: clinical testing. Allele origin: germline.
Comment: The p.E538K variant (also known as c.1612G>A), located in coding exon 13 of the BUB1B gene, results from a G to A substitution at nucleotide position 1612. The glutamic acid at codon 538 is replaced by lysine, an amino acid with similar properties. This amino acid position is conserved. In addition, this alteration is predicted to be tolerated by in silico analysis. Based on the available evidence, the clinical significance of this variant remains unclear.